The following is an entry in ClinVar:

ClinVar aggregate classification (germline): Uncertain significance (1 of 4 stars; one submission).

Conditions:
Fanconi anemia (FA). Also called: Fanconi's anemia. Identifiers: Orphanet 84, MedGen C0015625, MeSH D005199, MONDO:0019391.

Allele frequency attached by ClinVar (database versions not stated): gnomAD exomes below 0.00001.
gnomAD v4.1: 1 of 1,614,156 alleles (0.000062%); highest among the groups gnomAD compares: South Asian, 0.0011%; no homozygotes.

Submission:

Labcorp Genetics (formerly Invitae), Labcorp
Classification: Uncertain significance for Fanconi anemia. Last evaluated: 2023-03-13. Review status: criteria provided, single submitter. Criteria: Invitae Variant Classification Sherloc (09022015). Collection method: clinical testing. Allele origin: germline.
Comment: This sequence change replaces valine, which is neutral and non-polar, with alanine, which is neutral and non-polar, at codon 109 of the FANCM protein (p.Val109Ala). This variant is not present in population databases (gnomAD no frequency). This variant has not been reported in the literature in individuals affected with FANCM-related conditions. ClinVar contains an entry for this variant (Variation ID: 655590). An algorithm developed to predict the effect of missense changes on protein structure and function (PolyPhen-2) suggests that this variant is likely to be disruptive. In summary, the available evidence is currently insufficient to determine the role of this variant in disease. Therefore, it has been classified as a Variant of Uncertain Significance.

NM_020937.4(FANCM):c.326T>C (p.Val109Ala)

Gene: FANCM (FA complementation group M; plus strand). Cytogenetic location: 14q21.2.
Variant type: single nucleotide variant.
Coding change: c.326T>C on transcript NM_020937.4 (MANE Select); coding-DNA position 326, T replaced by C.
Protein change: p.Val109Ala; replaces valine 109 with alanine.
Molecular consequence: missense variant.
Genome position (GRCh38, 1-based): chr14:45,136,357, T>C. VCF-style: chr14-45136357-T-C. GRCh37 (hg19) VCF-style: chr14-45605560-T-C.
Other names: c.326T>C, p.Val109Ala (NM_001308133.2, NM_001308134.2); short protein forms V109A.
Identifiers: ClinVar variation 655590 (VCV000655590.8), dbSNP rs1594750831, ClinGen allele CA389587862.